The following is an entry in ClinVar:

NM_006939.4(SOS2):c.3944C>T (p.Ser1315Leu)

Gene: SOS2 (SOS Ras/Rho guanine nucleotide exchange factor 2; minus strand). Cytogenetic location: 14q21.3.
Variant type: single nucleotide variant.
Coding change: c.3944C>T on transcript NM_006939.4 (MANE Select); coding-DNA position 3944, C replaced by T.
Protein change: p.Ser1315Leu; replaces serine 1315 with leucine.
Molecular consequence: missense variant.
Genome position (GRCh38, 1-based): chr14:50,118,399, G>A on the plus strand (C>T on the coding strand, the complement: SOS2 is on the minus strand). VCF-style: chr14-50118399-G-A. GRCh37 (hg19) VCF-style: chr14-50585117-G-A.
Other names: short protein forms S1315L.
Identifiers: ClinVar variation 1022197 (VCV001022197.11), dbSNP rs865922330, ClinGen allele CA260703818.

ClinVar aggregate classification (germline): Conflicting classifications of pathogenicity. Review status: criteria provided, conflicting classifications (1 of 4 stars). 3 submissions from 3 submitters: Uncertain significance (2); Benign (1). Last evaluated 2024-10-01.

Conditions:
Noonan syndrome 9 (NS9). Identifiers: Orphanet 648, MedGen C4225282, MONDO:0014691, OMIM 616559.
Cardiovascular phenotype. Identifiers: MedGen CN230736.

Allele frequency attached by ClinVar (database versions not stated): gnomAD 0.00001; gnomAD exomes 0.00001 and 0.00002; TOPMed 0.00002.
gnomAD v4.1: 27 of 1,614,002 alleles (0.0017%); highest among the groups gnomAD compares: East Asian, 0.0022%; no homozygotes.

Submissions (3):

Ambry Genetics
Classification: Uncertain significance for Cardiovascular phenotype. Last evaluated: 2024-10-01. Review status: criteria provided, single submitter. Criteria: Ambry Variant Classification Scheme 2023. Collection method: clinical testing. Allele origin: germline.
Comment: The p.S1315L variant (also known as c.3944C>T), located in coding exon 23 of the SOS2 gene, results from a C to T substitution at nucleotide position 3944. The serine at codon 1315 is replaced by leucine, an amino acid with dissimilar properties. This amino acid position is conserved. In addition, this alteration is predicted to be tolerated by in silico analysis. Since supporting evidence is limited at this time, the clinical significance of this alteration remains unclear.

Labcorp Genetics (formerly Invitae), Labcorp
Classification: Benign for Noonan syndrome 9. Last evaluated: 2023-12-02. Review status: criteria provided, single submitter. Criteria: Invitae Variant Classification Sherloc (09022015). Collection method: clinical testing. Allele origin: germline.

Genome-Nilou Lab
Classification: Uncertain significance for Noonan syndrome 9. Review status: criteria provided, single submitter. Criteria: ACMG Guidelines, 2015. Collection method: clinical testing. Allele origin: germline.